The following is an entry in ClinVar:

ClinVar aggregate classification (germline): Uncertain significance (1 of 4 stars; one submission).

Conditions:
Hereditary cancer-predisposing syndrome. Also called: Tumor predisposition; Neoplastic Syndromes, Hereditary; Hereditary neoplastic syndrome; Hereditary Cancer Syndrome. Identifiers: Orphanet 140162, MedGen C0027672, MeSH D009386, MONDO:0015356.

gnomAD v4.1: 1 of 1,607,812 alleles (0.000062%); highest among the groups gnomAD compares: Non-Finnish European, 0.000085%; no homozygotes.

Submission:

Ambry Genetics
Classification: Uncertain significance for Hereditary cancer-predisposing syndrome. Last evaluated: 2025-07-17. Review status: criteria provided, single submitter. Criteria: Ambry Variant Classification Scheme 2023. Collection method: clinical testing. Allele origin: germline.
Comment: The p.*1361Wext*29 variant (also known as c.4082A>G), located in coding exon 10 of the MSH6 gene, results from an A to G substitution at nucleotide position 4082, which is the last nucleotide of the MSH6 gene. This alteration occurs at the 3' terminus of the MSH6 gene, is not expected to trigger nonsense-mediated mRNAdecay and results in the elongation of the protein by 29 amino acids. This frameshift impacts the last amino acid of the native protein. The exact functional effect of the altered amino acids is unknown. Based on the available evidence, the clinical significance of this variant remains unclear.

NM_000179.3(MSH6):c.4082A>G (p.Ter1361Trp)

Gene: MSH6 (mutS homolog 6; plus strand). Cytogenetic location: 2p16.3.
Variant type: single nucleotide variant.
Coding change: c.4082A>G on transcript NM_000179.3 (MANE Select); coding-DNA position 4082, A replaced by G.
Protein change: p.Ter1361Trp.
Molecular consequence: stop lost. On other transcripts: 3 prime UTR variant (5), non-coding transcript variant (5).
Genome position (GRCh38, 1-based): chr2:47,806,859, A>G. VCF-style: chr2-47806859-A-G. GRCh37 (hg19) VCF-style: chr2-48033998-A-G.
Other names: c.3692A>G, p.Ter1231Trp (NM_001281492.2); c.3176A>G, p.Ter1059Trp (NM_001281493.2, NM_001281494.2, NM_001406815.1 and 6 more transcripts); c.4178A>G, p.Ter1393Trp (NM_001406795.1); c.4082A>G, p.Ter1361Trp (NM_001406796.1, NM_001406809.1); c.3785A>G, p.Ter1262Trp (NM_001406797.1, NM_001406805.1, NM_001406818.1 and 8 more transcripts); c.3908A>G, p.Ter1303Trp (NM_001406798.1); c.3557A>G, p.Ter1186Trp (NM_001406799.1, NM_001406806.1, NM_001406807.1); c.*103A>G (NM_001406800.1); and 9 more.
Identifiers: ClinVar variation 4111199 (VCV004111199.1).